The following is an entry in ClinVar:

ClinVar aggregate classification (germline): Uncertain significance (1 of 4 stars; one submission).

Allele frequency attached by ClinVar (database versions not stated): gnomAD exomes below 0.00001.
gnomAD v4.1: 2 of 1,613,146 alleles (0.00012%); highest among the groups gnomAD compares: Non-Finnish European, 0.00017%; no homozygotes.

Submission:

GeneDx
Classification: Uncertain significance. Last evaluated: 2013-07-16. Review status: criteria provided, single submitter. Criteria: GeneDx Variant Classification (06012015). Collection method: clinical testing. Allele origin: germline. Affected: yes.
Comment: p.Glu681Gln (GAG>CAG): c.2041 G>C in exon 15 of the SPG7 gene (NM_003119.2) A variant of unknown significance has been identified in the SPG7 gene. The E681Q missense substitution has not been published as a mutation, nor has it been reported as a benign polymorphism to our knowledge. The amino acid change is non-conservative in that a negatively charged Glutamic Acid residue is replaced by an uncharged Glutamine residue. This change occurs at a position in the SPG7 protein that is not highly conserved, and multiple in-silico analysis models predict that E681Q is a benign sequence change. Therefore, based on the currently available information, it is unclear whether E681Q is a disease-causing mutation or a rare benign variant. The variant is found in MITONUC-MITOP panel(s).

NM_003119.4(SPG7):c.2041G>C (p.Glu681Gln)

Gene: SPG7 (SPG7 matrix AAA peptidase subunit, paraplegin; plus strand). Cytogenetic location: 16q24.3.
Variant type: single nucleotide variant.
Coding change: c.2041G>C on transcript NM_003119.4 (MANE Select); coding-DNA position 2041, G replaced by C.
Protein change: p.Glu681Gln; replaces glutamic acid 681 with glutamine.
Molecular consequence: missense variant.
Genome position (GRCh38, 1-based): chr16:89,553,898, G>C. VCF-style: chr16-89553898-G-C. GRCh37 (hg19) VCF-style: chr16-89620306-G-C.
Other names: p.E681Q:GAG>CAG; c.2041G>C, p.Glu681Gln (NM_001363850.1); short protein forms E681Q.
Identifiers: ClinVar variation 215217 (VCV000215217.4), dbSNP rs863224221, ClinGen allele CA321378.